The following is an entry in ClinVar:

ClinVar aggregate classification (germline): Conflicting classifications of pathogenicity. Review status: criteria provided, conflicting classifications (1 of 4 stars). 3 submissions from 3 submitters: Uncertain significance (2); Likely benign (1). Last evaluated 2026-04-08.

Conditions:
Polycystic kidney disease, adult type (PKD1). Also called: Polycystic Kidney Disease 1, Autosomal Dominant; Polycystic kidney disease 1; Polycystic kidney disease 1, severe; POLYCYSTIC KIDNEY DISEASE 1 WITH OR WITHOUT POLYCYSTIC LIVER DISEASE; POLYCYSTIC KIDNEY DISEASE, ADULT, TYPE I; Polycystic Kidney, Autosomal Dominant. Identifiers: MedGen C3149841, MONDO:0008263, OMIM 173900.
PKD1-related disorder. Also called: PKD1-related condition.

gnomAD v4.1: 21 of 1,610,128 alleles (0.0013%); highest among the groups gnomAD compares: East Asian, 0.016%; no homozygotes.

Submissions (3):

PreventionGenetics, part of Exact Sciences
Classification: Likely benign for PKD1-related condition. Last evaluated: 2026-04-08. Review status: criteria provided, single submitter. Criteria: ACMG Guidelines, 2015. Collection method: clinical testing. Allele origin: germline.
Comment: This variant is classified as likely benign based on ACMG/AMP sequence variant interpretation guidelines (Richards et al. 2015 PMID: 25741868, with internal and published modifications).

GeneDx
Classification: Uncertain significance. Last evaluated: 2023-05-18. Review status: criteria provided, single submitter. Criteria: GeneDx Variant Classification Process June 2021. Collection method: clinical testing. Allele origin: germline. Affected: yes.
Comment: In silico analysis supports that this missense variant does not alter protein structure/function; Has not been previously published as pathogenic or benign to our knowledge

Department of Pathology and Laboratory Medicine, Sinai Health System
Classification: Uncertain significance for Polycystic kidney disease, adult type. Last evaluated: 2022-06-14. Review status: criteria provided, single submitter. Criteria: ACMG Guidelines, 2015. Collection method: clinical testing. Allele origin: germline. Affected: yes.

NM_001009944.3(PKD1):c.3304C>G (p.Leu1102Val)

Gene: PKD1 (polycystin 1, transient receptor potential channel interacting; minus strand). Cytogenetic location: 16p13.3.
Variant type: single nucleotide variant.
Coding change: c.3304C>G on transcript NM_001009944.3 (MANE Select); coding-DNA position 3304, C replaced by G.
Protein change: p.Leu1102Val; replaces leucine 1102 with valine.
Molecular consequence: missense variant.
Genome position (GRCh38, 1-based): chr16:2,111,863, G>C on the plus strand (C>G on the coding strand, the complement: PKD1 is on the minus strand). VCF-style: chr16-2111863-G-C. GRCh37 (hg19) VCF-style: chr16-2161864-G-C.
Other names: c.3304C>G, p.Leu1102Val (NM_000296.4); short protein forms L1102V.
Identifiers: ClinVar variation 3340702 (VCV003340702.3).